The following is an entry in ClinVar:

NM_001130823.3(DNMT1):c.4847C>A (p.Ala1616Asp)

Gene: DNMT1 (DNA methyltransferase 1; minus strand). Cytogenetic location: 19p13.2.
Variant type: single nucleotide variant.
Coding change: c.4847C>A on transcript NM_001130823.3 (MANE Select); coding-DNA position 4847, C replaced by A.
Protein change: p.Ala1616Asp; replaces alanine 1616 with aspartic acid.
Molecular consequence: missense variant.
Genome position (GRCh38, 1-based): chr19:10,134,234, G>T on the plus strand (C>A on the coding strand, the complement: DNMT1 is on the minus strand). VCF-style: chr19-10134234-G-T. GRCh37 (hg19) VCF-style: chr19-10244910-G-T.
Other names: c.4808C>A, p.Ala1603Asp (NM_001318730.2); c.4484C>A, p.Ala1495Asp (NM_001318731.2); c.4799C>A, p.Ala1600Asp (NM_001379.4); short protein forms A1495D, A1603D, A1600D, A1616D.
Identifiers: ClinVar variation 4740019 (VCV004740019.1).

ClinVar aggregate classification (germline): Uncertain significance (1 of 4 stars; one submission).

Conditions:
Hereditary sensory neuropathy-deafness-dementia syndrome. Also called: NEUROPATHY, HEREDITARY SENSORY, WITH HEARING LOSS AND DEMENTIA; Hereditary Sensory and Autonomic Neuropathy Type 1E (HSAN1E); HSN IE; Hereditary sensory neuropathy type IE. Identifiers: Orphanet 456318, MedGen C3279885, MONDO:0013584, OMIM 614116.

gnomAD v4.1: 1 of 1,614,088 alleles (0.000062%); highest among the groups gnomAD compares: African/African-American, 0.0013%; no homozygotes.

Submission:

Labcorp Genetics (formerly Invitae), Labcorp
Classification: Uncertain significance for Hereditary sensory neuropathy-deafness-dementia syndrome. Last evaluated: 2025-06-29. Review status: criteria provided, single submitter. Criteria: Invitae Variant Classification Sherloc (09022015). Collection method: clinical testing. Allele origin: germline.
Comment: This sequence change replaces alanine, which is neutral and non-polar, with aspartic acid, which is acidic and polar, at codon 1616 of the DNMT1 protein (p.Ala1616Asp). This variant is not present in population databases (gnomAD no frequency). This variant has not been reported in the literature in individuals affected with DNMT1-related conditions. Invitae Evidence Modeling of protein sequence and biophysical properties (such as structural, functional, and spatial information, amino acid conservation, physicochemical variation, residue mobility, and thermodynamic stability) indicates that this missense variant is not expected to disrupt DNMT1 protein function with a negative predictive value of 80%. In summary, the available evidence is currently insufficient to determine the role of this variant in disease. Therefore, it has been classified as a Variant of Uncertain Significance.